The following is an entry in ClinVar:

NM_001080517.3(SETD5):c.1861C>T (p.Arg621Trp)

Gene: SETD5 (SET domain containing 5; plus strand). Cytogenetic location: 3p25.3.
Variant type: single nucleotide variant.
Coding change: c.1861C>T on transcript NM_001080517.3 (MANE Select); coding-DNA position 1861, C replaced by T.
Protein change: p.Arg621Trp; replaces arginine 621 with tryptophan.
Molecular consequence: missense variant.
Genome position (GRCh38, 1-based): chr3:9,447,764, C>T. VCF-style: chr3-9447764-C-T. GRCh37 (hg19) VCF-style: chr3-9489448-C-T.
Other names: c.1567C>T, p.Arg523Trp (NM_001292043.2, NM_001349451.2); short protein forms R523W, R621W.
Identifiers: ClinVar variation 2315433 (VCV002315433.5), dbSNP rs1205310411, ClinGen allele CA351697212.

ClinVar aggregate classification (germline): Uncertain significance. Review status: criteria provided, multiple submitters, no conflicts (2 of 4 stars). 2 submissions from 2 submitters: Uncertain significance (2). Last evaluated 2023-10-23.

Conditions:
Inborn genetic diseases. Identifiers: MedGen C0950123, MeSH D030342.

Allele frequency attached by ClinVar (database versions not stated): gnomAD 0.00001; TOPMed 0.00001.
gnomAD v4.1: 2 of 1,613,882 alleles (0.00012%); highest among the groups gnomAD compares: Non-Finnish European, 0.000085%; no homozygotes.

Submissions (2):

Labcorp Genetics (formerly Invitae), Labcorp
Classification: Uncertain significance. Last evaluated: 2023-10-23. Review status: criteria provided, single submitter. Criteria: Invitae Variant Classification Sherloc (09022015). Collection method: clinical testing. Allele origin: germline.
Comment: This sequence change replaces arginine, which is basic and polar, with tryptophan, which is neutral and slightly polar, at codon 621 of the SETD5 protein (p.Arg621Trp). This variant is not present in population databases (gnomAD no frequency). This variant has not been reported in the literature in individuals affected with SETD5-related conditions. ClinVar contains an entry for this variant (Variation ID: 2315433). Advanced modeling of protein sequence and biophysical properties (such as structural, functional, and spatial information, amino acid conservation, physicochemical variation, residue mobility, and thermodynamic stability) performed at Invitae indicates that this missense variant is expected to disrupt SETD5 protein function with a positive predictive value of 80%. In summary, the available evidence is currently insufficient to determine the role of this variant in disease. Therefore, it has been classified as a Variant of Uncertain Significance.

Ambry Genetics
Classification: Uncertain significance for Inborn genetic diseases. Last evaluated: 2022-10-03. Review status: criteria provided, single submitter. Criteria: Ambry Variant Classification Scheme 2023. Collection method: clinical testing. Allele origin: germline.